The following is an entry in ClinVar:

NM_002473.6(MYH9):c.3128G>C (p.Arg1043Pro)

Gene: MYH9 (myosin heavy chain 9; minus strand). Cytogenetic location: 22q12.3.
Variant type: single nucleotide variant.
Coding change: c.3128G>C on transcript NM_002473.6 (MANE Select); coding-DNA position 3128, G replaced by C.
Protein change: p.Arg1043Pro; replaces arginine 1043 with proline.
Molecular consequence: missense variant.
Genome position (GRCh38, 1-based): chr22:36,296,987, C>G on the plus strand (G>C on the coding strand, the complement: MYH9 is on the minus strand). VCF-style: chr22-36296987-C-G. GRCh37 (hg19) VCF-style: chr22-36693033-C-G.
Other names: short protein forms R1043P.
Identifiers: ClinVar variation 4704477 (VCV004704477.1).

ClinVar aggregate classification (germline): Uncertain significance (1 of 4 stars; one submission).

Submission:

Labcorp Genetics (formerly Invitae), Labcorp
Classification: Uncertain significance. Last evaluated: 2025-04-30. Review status: criteria provided, single submitter. Criteria: Invitae Variant Classification Sherloc (09022015). Collection method: clinical testing. Allele origin: germline.
Comment: This sequence change replaces arginine, which is basic and polar, with proline, which is neutral and non-polar, at codon 1043 of the MYH9 protein (p.Arg1043Pro). This variant is not present in population databases (gnomAD no frequency). This variant has not been reported in the literature in individuals affected with MYH9-related conditions. Invitae Evidence Modeling of protein sequence and biophysical properties (such as structural, functional, and spatial information, amino acid conservation, physicochemical variation, residue mobility, and thermodynamic stability) has been performed for this missense variant. However, the output from this modeling did not meet the statistical confidence thresholds required to predict the impact of this variant on MYH9 protein function. In summary, the available evidence is currently insufficient to determine the role of this variant in disease. Therefore, it has been classified as a Variant of Uncertain Significance.